The following is an entry in ClinVar:

NM_004360.5(CDH1):c.1114C>G (p.Pro372Ala)

Gene: CDH1 (cadherin 1; plus strand). Cytogenetic location: 16q22.1.
Variant type: single nucleotide variant.
Coding change: c.1114C>G on transcript NM_004360.5 (MANE Select); coding-DNA position 1114, C replaced by G.
Protein change: p.Pro372Ala; replaces proline 372 with alanine.
Molecular consequence: missense variant. On other transcripts: 5 prime UTR variant (2).
Genome position (GRCh38, 1-based): chr16:68,812,240, C>G. VCF-style: chr16-68812240-C-G. GRCh37 (hg19) VCF-style: chr16-68846143-C-G.
Other names: c.1114C>G, p.Pro372Ala (NM_001317184.2); c.-502C>G (NM_001317185.2); c.-706C>G (NM_001317186.2); short protein forms P372A.
Identifiers: ClinVar variation 2859717 (VCV002859717.4), dbSNP rs1555515758, ClinGen allele CA396460205.

ClinVar aggregate classification (germline): Uncertain significance. Review status: criteria provided, multiple submitters, no conflicts (2 of 4 stars). 2 submissions from 2 submitters: Uncertain significance (2). Last evaluated 2026-07-06.

Conditions:
Hereditary diffuse gastric adenocarcinoma (HDGC). Also called: DIFFUSE GASTRIC AND LOBULAR BREAST CANCER SYNDROME. Identifiers: Orphanet 26106, MedGen C1708349, MONDO:0007648, OMIM 137215.
Hereditary cancer-predisposing syndrome. Also called: Hereditary Cancer Syndrome; Hereditary neoplastic syndrome; Neoplastic Syndromes, Hereditary; Tumor predisposition. Identifiers: Orphanet 140162, MedGen C0027672, MeSH D009386, MONDO:0015356.

Submissions (2):

Ambry Genetics
Classification: Uncertain significance for Hereditary cancer-predisposing syndrome. Last evaluated: 2026-07-06. Review status: criteria provided, single submitter. Criteria: Ambry Variant Classification Scheme 2023. Collection method: clinical testing. Allele origin: germline.
Comment: The p.P372A variant (also known as c.1114C>G), located in coding exon 8 of the CDH1 gene, results from a C to G substitution at nucleotide position 1114. The proline at codon 372 is replaced by alanine, an amino acid with highly similar properties. This amino acid position is conserved. In addition, this alteration is predicted to be tolerated by in silico analysis. Based on the available evidence, the clinical significance of this variant remains unclear.

Labcorp Genetics (formerly Invitae), Labcorp
Classification: Uncertain significance for Hereditary diffuse gastric adenocarcinoma. Last evaluated: 2024-08-21. Review status: criteria provided, single submitter. Criteria: Invitae Variant Classification Sherloc (09022015). Collection method: clinical testing. Allele origin: germline.
Comment: This sequence change replaces proline, which is neutral and non-polar, with alanine, which is neutral and non-polar, at codon 372 of the CDH1 protein (p.Pro372Ala). This variant is not present in population databases (gnomAD no frequency). This variant has not been reported in the literature in individuals affected with CDH1-related conditions. An algorithm developed to predict the effect of missense changes on protein structure and function outputs the following: PolyPhen-2: "Benign". The alanine amino acid residue is found in multiple mammalian species, which suggests that this missense change does not adversely affect protein function. In summary, the available evidence is currently insufficient to determine the role of this variant in disease. Therefore, it has been classified as a Variant of Uncertain Significance.